The following is an entry in ClinVar:

NM_000213.5(ITGB4):c.1400del (p.Arg467fs)

Gene: ITGB4 (integrin subunit beta 4; plus strand). Cytogenetic location: 17q25.1.
Variant type: Deletion.
Coding change: c.1400del on transcript NM_000213.5 (MANE Select); coding-DNA position 1400, one base deleted (G; older notation c.1400delG).
Protein change: p.Arg467fs; shifts the reading frame from arginine 467.
Molecular consequence: frameshift variant.
Genome position (GRCh38, 1-based): chr17:75,732,185, G deleted. VCF-style (leftmost placement, unchanged base first): chr17-75732184-CG-C. GRCh37 (hg19) VCF-style: chr17-73728265-CG-C.
Other names: c.1400delG, p.Arg467Profs (NM_001005619.2); c.1400del, p.Arg467fs (NM_001005731.3, NM_001321123.2); short protein forms R467fs.
Identifiers: ClinVar variation 2824022 (VCV002824022.3), dbSNP rs2545749649, ClinGen allele CA2739268397.

ClinVar aggregate classification (germline): Pathogenic (1 of 4 stars; one submission).

Submission:

Labcorp Genetics (formerly Invitae), Labcorp
Classification: Pathogenic. Last evaluated: 2022-12-25. Review status: criteria provided, single submitter. Criteria: Invitae Variant Classification Sherloc (09022015). Collection method: clinical testing. Allele origin: germline.
Comment: For these reasons, this variant has been classified as Pathogenic. This variant has not been reported in the literature in individuals affected with ITGB4-related conditions. This variant is not present in population databases (gnomAD no frequency). This sequence change creates a premature translational stop signal (p.Arg467Profs*31) in the ITGB4 gene. It is expected to result in an absent or disrupted protein product. Loss-of-function variants in ITGB4 are known to be pathogenic (PMID: 11328943, 16473856).

Literature cited by the submitters: PubMed 11328943; PubMed 16473856.